The following is an entry in ClinVar:

ClinVar aggregate classification (germline): Uncertain significance (1 of 4 stars; one submission).

Conditions:
Vitamin B2 deficiency. Identifiers: MedGen C0035528.

Submission:

Labcorp Genetics (formerly Invitae), Labcorp
Classification: Uncertain significance for Vitamin B2 deficiency. Last evaluated: 2025-04-24. Review status: criteria provided, single submitter. Criteria: Invitae Variant Classification Sherloc (09022015). Collection method: clinical testing. Allele origin: germline.
Comment: This sequence change replaces glutamic acid, which is acidic and polar, with lysine, which is basic and polar, at codon 248 of the SLC52A1 protein (p.Glu248Lys). This variant is not present in population databases (gnomAD no frequency). This variant has not been reported in the literature in individuals affected with SLC52A1-related conditions. Invitae Evidence Modeling of protein sequence and biophysical properties (such as structural, functional, and spatial information, amino acid conservation, physicochemical variation, residue mobility, and thermodynamic stability) indicates that this missense variant is not expected to disrupt SLC52A1 protein function with a negative predictive value of 80%. In summary, the available evidence is currently insufficient to determine the role of this variant in disease. Therefore, it has been classified as a Variant of Uncertain Significance.

NM_017986.4(SLC52A1):c.742G>A (p.Glu248Lys)

Gene: SLC52A1 (solute carrier family 52 member 1; minus strand). Cytogenetic location: 17p13.2.
Variant type: single nucleotide variant.
Coding change: c.742G>A on transcript NM_017986.4 (MANE Select); coding-DNA position 742, G replaced by A.
Protein change: p.Glu248Lys; replaces glutamic acid 248 with lysine.
Molecular consequence: missense variant.
Genome position (GRCh38, 1-based): chr17:5,033,747, C>T on the plus strand (G>A on the coding strand, the complement: SLC52A1 is on the minus strand). VCF-style: chr17-5033747-C-T. GRCh37 (hg19) VCF-style: chr17-4937042-C-T.
Other names: c.742G>A, p.Glu248Lys (NM_001104577.2); short protein forms E248K.
Identifiers: ClinVar variation 4744005 (VCV004744005.1).
Genomic context (GRCh38, chr17:5,033,747, plus strand): 5'-CTGGGCCAGGGATGGTGCCTGCTGCCTGGCTCGGTGGCTCCTGCAATGGCAAAGCCTCTT[C>T]TTCCTCCTTCTCTTCCTCCTCTGCTCCTGGGGATCCCAGTTGAAGTTCAGGCCCTGAGCC-3'
Protein context (NP_060456.3, residues 238-258): PGAEEEEKEE[Glu248Lys]EALPLQEPPS